The following is an entry in ClinVar:

ClinVar aggregate classification (germline): Uncertain significance (1 of 4 stars; one submission).

Conditions:
Developmental and epileptic encephalopathy, 32 (DEE32). Also called: Epileptic encephalopathy, early infantile, 32. Identifiers: Orphanet 442835, MedGen C4225350, MONDO:0014607, OMIM 616366.

Submission:

Labcorp Genetics (formerly Invitae), Labcorp
Classification: Uncertain significance for Developmental and epileptic encephalopathy, 32. Last evaluated: 2024-08-24. Review status: criteria provided, single submitter. Criteria: Invitae Variant Classification Sherloc (09022015). Collection method: clinical testing. Allele origin: germline.
Comment: This sequence change creates a premature translational stop signal (p.Glu350*) in the KCNA2 gene. While this is not anticipated to result in nonsense mediated decay, it is expected to disrupt the last 150 amino acid(s) of the KCNA2 protein. This variant is not present in population databases (gnomAD no frequency). This variant has not been reported in the literature in individuals affected with KCNA2-related conditions. Experimental studies and prediction algorithms are not available or were not evaluated, and the functional significance of this variant is currently unknown. In summary, the available evidence is currently insufficient to determine the role of this variant in disease. Therefore, it has been classified as a Variant of Uncertain Significance.

NM_004974.4(KCNA2):c.1048G>T (p.Glu350Ter)

Gene: KCNA2 (potassium voltage-gated channel subfamily A member 2; minus strand). Cytogenetic location: 1p13.3.
Variant type: single nucleotide variant.
Coding change: c.1048G>T on transcript NM_004974.4 (MANE Select); coding-DNA position 1048, G replaced by T.
Protein change: p.Glu350Ter; replaces glutamic acid 350 with a stop codon.
Molecular consequence: nonsense. On other transcripts: intron variant (1).
Genome position (GRCh38, 1-based): chr1:110,603,735, C>A on the plus strand (G>T on the coding strand, the complement: KCNA2 is on the minus strand). VCF-style: chr1-110603735-C-A. GRCh37 (hg19) VCF-style: chr1-111146357-C-A.
Other names: c.894+154G>T (NM_001204269.2); short protein forms E350*.
Identifiers: ClinVar variation 3663339 (VCV003663339.2).